The following is an entry in ClinVar:

NM_004329.3(BMPR1A):c.168G>A (p.Leu56=)

Gene: BMPR1A (bone morphogenetic protein receptor type 1A; plus strand). Cytogenetic location: 10q23.2.
Variant type: single nucleotide variant.
Coding change: c.168G>A on transcript NM_004329.3 (MANE Select); coding-DNA position 168, G replaced by A.
Protein change: p.Leu56=; no amino-acid change (leucine 56 retained).
Molecular consequence: synonymous variant.
Genome position (GRCh38, 1-based): chr10:86,890,162, G>A. VCF-style: chr10-86890162-G-A. GRCh37 (hg19) VCF-style: chr10-88649919-G-A.
Identifiers: ClinVar variation 819841 (VCV000819841.8), dbSNP rs1589763414, ClinGen allele CA470304558.

ClinVar aggregate classification (germline): Benign/Likely benign. Review status: criteria provided, multiple submitters, no conflicts (2 of 4 stars). 3 submissions from 3 submitters: Benign (1); Likely benign (2). Last evaluated 2024-07-31.

Conditions:
Juvenile polyposis syndrome (JPS). Identifiers: Orphanet 2929, MedGen C0345893, MONDO:0017380, OMIM 174900.
Hereditary cancer-predisposing syndrome. Also called: Hereditary Cancer Syndrome; Neoplastic Syndromes, Hereditary; Hereditary neoplastic syndrome; Tumor predisposition. Identifiers: Orphanet 140162, MedGen C0027672, MeSH D009386, MONDO:0015356.

Submissions (3):

Myriad Genetics, Inc.
Classification: Benign for Juvenile polyposis syndrome. Last evaluated: 2024-07-31. Review status: criteria provided, single submitter. Criteria: Myriad Autosomal Dominant, Autosomal Recessive and X-Linked Classification Criteria (2023). Collection method: clinical testing. Allele origin: unknown.
Comment: This variant is considered benign. This variant is a silent/synonymous amino acid change and it is not expected to impact splicing.

Labcorp Genetics (formerly Invitae), Labcorp
Classification: Likely benign for Juvenile polyposis syndrome. Last evaluated: 2023-05-09. Review status: criteria provided, single submitter. Criteria: Invitae Variant Classification Sherloc (09022015). Collection method: clinical testing. Allele origin: germline.

Ambry Genetics
Classification: Likely benign for Hereditary cancer-predisposing syndrome. Last evaluated: 2018-10-31. Review status: criteria provided, single submitter. Criteria: Ambry Variant Classification Scheme 2023. Collection method: clinical testing. Allele origin: germline.